The following is an entry in ClinVar:

NM_004247.4(EFTUD2):c.342T>G (p.Tyr114Ter)

Gene: EFTUD2 (elongation factor Tu GTP binding domain containing 2; minus strand). Cytogenetic location: 17q21.31.
Variant type: single nucleotide variant.
Coding change: c.342T>G on transcript NM_004247.4 (MANE Select); coding-DNA position 342, T replaced by G.
Protein change: p.Tyr114Ter; replaces tyrosine 114 with a stop codon.
Molecular consequence: nonsense.
Genome position (GRCh38, 1-based): chr17:44,885,264, A>C on the plus strand (T>G on the coding strand, the complement: EFTUD2 is on the minus strand). VCF-style: chr17-44885264-A-C. GRCh37 (hg19) VCF-style: chr17-42962632-A-C.
Other names: c.237T>G, p.Tyr79Ter (NM_001142605.2); c.342T>G, p.Tyr114Ter (NM_001258353.2, NM_001258354.2); short protein forms Y114*, Y79*.
Identifiers: ClinVar variation 977625 (VCV000977625.4), dbSNP rs2508840177, ClinGen allele CA399825672.
Genomic context (GRCh38, chr17:44,885,264, plus strand): 5'-AACATGAACCCACAGCATTCCTGCAGAGAAGCTGAGAAACCTTGTAACTTACTCCATCTC[A>C]TACACCGTAACAGGTAATGTCTGCTCCATCAGAGTGAATTTCTTGGTTTTCACTGGCTTA-3'

ClinVar aggregate classification (germline): Pathogenic. Review status: criteria provided, multiple submitters, no conflicts (2 of 4 stars). 2 submissions from 2 submitters: Pathogenic (2). Last evaluated 2024-11-10.

Conditions:
Global developmental delay (DD). Also called: Cognitive delay. Identifiers: MedGen C0557874, HP:0001263. Disease mechanism: loss of function.

Submissions (2):

Labcorp Genetics (formerly Invitae), Labcorp
Classification: Pathogenic. Last evaluated: 2024-11-10. Review status: criteria provided, single submitter. Criteria: Invitae Variant Classification Sherloc (09022015). Collection method: clinical testing. Allele origin: germline.
Comment: This sequence change creates a premature translational stop signal (p.Tyr114*) in the EFTUD2 gene. It is expected to result in an absent or disrupted protein product. Loss-of-function variants in EFTUD2 are known to be pathogenic (PMID: 24999515, 26507355). This variant is not present in population databases (gnomAD no frequency). This variant has not been reported in the literature in individuals affected with EFTUD2-related conditions. ClinVar contains an entry for this variant (Variation ID: 977625). For these reasons, this variant has been classified as Pathogenic.

Cytogénomique, Hospices Civils de Lyon
Classification: Pathogenic for Global developmental delay. Last evaluated: 2019-11-01. Review status: criteria provided, single submitter. Criteria: ACMG Guidelines, 2015. Collection method: clinical testing. Allele origin: de novo. Affected: yes.

Literature cited by the submitters: PubMed 24999515 (cited by Labcorp Genetics (formerly Invitae), Labcorp); PubMed 26507355 (cited by Labcorp Genetics (formerly Invitae), Labcorp).